The following is an entry in ClinVar:

ClinVar aggregate classification (germline): Uncertain significance (1 of 4 stars; one submission).

Allele frequency attached by ClinVar (database versions not stated): gnomAD exomes 0.00003; TOPMed 0.00001; gnomAD 0.00001; ExAC 0.00007.
gnomAD v4.1: 21 of 1,614,046 alleles (0.0013%); highest among the groups gnomAD compares: Non-Finnish European, 0.0011%; 1 homozygote.

Submission:

Labcorp Genetics (formerly Invitae), Labcorp
Classification: Uncertain significance. Last evaluated: 2025-02-09. Review status: criteria provided, single submitter. Criteria: Invitae Variant Classification Sherloc (09022015). Collection method: clinical testing. Allele origin: germline.
Comment: This sequence change replaces glutamine, which is neutral and polar, with arginine, which is basic and polar, at codon 583 of the BACH2 protein (p.Gln583Arg). This variant is present in population databases (rs777844890, gnomAD 0.009%). This variant has not been reported in the literature in individuals affected with BACH2-related conditions. ClinVar contains an entry for this variant (Variation ID: 2120458). Invitae Evidence Modeling of protein sequence and biophysical properties (such as structural, functional, and spatial information, amino acid conservation, physicochemical variation, residue mobility, and thermodynamic stability) indicates that this missense variant is not expected to disrupt BACH2 protein function with a negative predictive value of 80%. In summary, the available evidence is currently insufficient to determine the role of this variant in disease. Therefore, it has been classified as a Variant of Uncertain Significance.

NM_021813.4(BACH2):c.1748A>G (p.Gln583Arg)

Gene: BACH2 (BACH transcriptional regulator 2; minus strand). Cytogenetic location: 6q15.
Variant type: single nucleotide variant.
Coding change: c.1748A>G on transcript NM_021813.4 (MANE Select); coding-DNA position 1748, A replaced by G.
Protein change: p.Gln583Arg; replaces glutamine 583 with arginine.
Molecular consequence: missense variant.
Genome position (GRCh38, 1-based): chr6:89,950,358, T>C on the plus strand (A>G on the coding strand, the complement: BACH2 is on the minus strand). VCF-style: chr6-89950358-T-C. GRCh37 (hg19) VCF-style: chr6-90660077-T-C.
Other names: c.1748A>G, p.Gln583Arg (NM_001170794.2); short protein forms Q583R.
Identifiers: ClinVar variation 2120458 (VCV002120458.4), dbSNP rs777844890, ClinGen allele CA3927937.